The following is an entry in ClinVar:

ClinVar aggregate classification (germline): Benign. Review status: criteria provided, multiple submitters, no conflicts (2 of 4 stars). 5 submissions from 4 submitters: Benign (4). 1 of the submissions does not count toward it. Last evaluated 2021-12-05.

Conditions:
ATP2A2-related disorder. Also called: ATP2A2-Related Disorders; ATP2A2-related condition.
Keratosis follicularis (DAR). Also called: Darier's disease; Darier disease. Identifiers: Orphanet 218, MedGen C0022595, MONDO:0007417, OMIM 124200.
Acrokeratosis verruciformis of Hopf (AKV). Also called: HOPF DISEASE; Acrokeratosis verruciformis. Identifiers: Orphanet 79151, MedGen C0265971, MONDO:0007048, OMIM 101900.

Allele frequency attached by ClinVar (database versions not stated): TOPMed 0.00006; 1000 Genomes Project 30x 0.00062; 1000 Genomes Project 0.00080.
gnomAD v4.1: 99 of 1,614,136 alleles (0.0061%); highest among the groups gnomAD compares: Admixed American, 0.095%; 1 homozygote.

Submissions (5):

Genome-Nilou Lab
Classification: Benign for Acrokeratosis verruciformis of Hopf. Last evaluated: 2021-12-05. Review status: criteria provided, single submitter. Criteria: ACMG Guidelines, 2015. Collection method: clinical testing. Allele origin: germline. Affected: no.

Genome-Nilou Lab
Classification: Benign for Keratosis follicularis. Last evaluated: 2021-12-05. Review status: criteria provided, single submitter. Criteria: ACMG Guidelines, 2015. Collection method: clinical testing. Allele origin: germline. Affected: no.

Labcorp Genetics (formerly Invitae), Labcorp
Classification: Benign. Last evaluated: 2018-06-18. Review status: criteria provided, single submitter. Criteria: Invitae Variant Classification Sherloc (09022015). Collection method: clinical testing. Allele origin: germline.

Athena Diagnostics
Classification: Benign. Last evaluated: 2016-09-14. Review status: criteria provided, single submitter. Criteria: Athena Diagnostics Criteria. Collection method: clinical testing. Allele origin: germline.

PreventionGenetics, part of Exact Sciences
Classification: Likely benign for ATP2A2-related condition. Last evaluated: 2019-10-31. Review status: no assertion criteria provided. Collection method: clinical testing. Allele origin: germline. Not counted in ClinVar's aggregate classification.
Comment: This variant is classified as likely benign based on ACMG/AMP sequence variant interpretation guidelines (Richards et al. 2015 PMID: 25741868, with internal and published modifications).

NM_170665.4(ATP2A2):c.2925C>T (p.Pro975=)

Gene: ATP2A2 (ATPase sarcoplasmic/endoplasmic reticulum Ca2+ transporting 2; plus strand). Cytogenetic location: 12q24.11.
Variant type: single nucleotide variant.
Coding change: c.2925C>T on transcript NM_170665.4 (MANE Select); coding-DNA position 2925, C replaced by T.
Protein change: p.Pro975=; no amino-acid change (proline 975 retained).
Molecular consequence: synonymous variant.
Genome position (GRCh38, 1-based): chr12:110,346,266, C>T. VCF-style: chr12-110346266-C-T. GRCh37 (hg19) VCF-style: chr12-110784071-C-T.
Other names: c.2925C>T, p.Pro975= (NM_001681.4).
Identifiers: ClinVar variation 446883 (VCV000446883.7), dbSNP rs147558863, ClinGen allele CA6784253.
Genomic context (GRCh38, chr12:110,346,266, plus strand): 5'-CTTCCAGATCACACCGCTGAACGTGACCCAGTGGCTGATGGTGCTGAAAATCTCCTTGCC[C>T]GTGATTCTCATGGATGAGACGCTCAAGTTTGTGGCCCGCAACTACCTGGAACCTGGTAAA-3'
Protein context (NP_733765.1, residues 965-985): QWLMVLKISL[Pro975=]VILMDETLKF